The following is an entry in ClinVar:

NM_024675.4(PALB2):c.283A>T (p.Lys95Ter)

Gene: PALB2 (partner and localizer of BRCA2; minus strand). Cytogenetic location: 16p12.2.
Variant type: single nucleotide variant.
Coding change: c.283A>T on transcript NM_024675.4 (MANE Select); coding-DNA position 283, A replaced by T.
Protein change: p.Lys95Ter; replaces lysine 95 with a stop codon.
Molecular consequence: nonsense. On other transcripts: 5 prime UTR variant (8), intron variant (3).
Genome position (GRCh38, 1-based): chr16:23,636,263, T>A on the plus strand (A>T on the coding strand, the complement: PALB2 is on the minus strand). VCF-style: chr16-23636263-T-A. GRCh37 (hg19) VCF-style: chr16-23647584-T-A.
Other names: c.223A>T, p.Lys75Ter (NM_001407296.1); c.283A>T, p.Lys95Ter (NM_001407297.1, NM_001407298.1, NM_001407299.1 and 3 more transcripts); c.-603A>T (NM_001407304.1, NM_001407305.1, NM_001407306.1 and 5 more transcripts); c.48+4847A>T (NM_001407314.1); c.-105+4847A>T (NM_001407313.1, NM_001407312.1); short protein forms K75*, K95*.
Identifiers: ClinVar variation 3413451 (VCV003413451.3).

ClinVar aggregate classification (germline): Pathogenic/Likely pathogenic. Review status: criteria provided, multiple submitters, no conflicts (2 of 4 stars). 3 submissions from 3 submitters: Pathogenic (2); Likely pathogenic (1). Last evaluated 2025-02-27.

Conditions:
PALB2-related disorder. Also called: PALB2-related disorders; PALB2-related condition.
Familial cancer of breast. Also called: Hereditary breast cancer; hereditary breast carcinoma; BREAST CANCER, FAMILIAL. Identifiers: Orphanet 227535, MedGen C0346153, MONDO:0016419, OMIM 114480. Disease mechanism: loss of function.
Hereditary cancer-predisposing syndrome. Also called: Hereditary Cancer Syndrome; Neoplastic Syndromes, Hereditary; Tumor predisposition; Hereditary neoplastic syndrome. Identifiers: Orphanet 140162, MedGen C0027672, MeSH D009386, MONDO:0015356.

Submissions (3):

Labcorp Genetics (formerly Invitae), Labcorp
Classification: Pathogenic for Familial cancer of breast. Last evaluated: 2025-02-27. Review status: criteria provided, single submitter. Criteria: Invitae Variant Classification Sherloc (09022015). Collection method: clinical testing. Allele origin: germline.
Comment: This sequence change creates a premature translational stop signal (p.Lys95*) in the PALB2 gene. It is expected to result in an absent or disrupted protein product. Loss-of-function variants in PALB2 are known to be pathogenic (PMID: 17200668, 17200671, 17200672, 24136930, 25099575). This variant is not present in population databases (gnomAD no frequency). This variant has not been reported in the literature in individuals affected with PALB2-related conditions. ClinVar contains an entry for this variant (Variation ID: 3413451). For these reasons, this variant has been classified as Pathogenic.

Blueprint Genetics
Classification: Likely pathogenic for PALB2-related disorders. Last evaluated: 2024-09-05. Review status: criteria provided, single submitter. Criteria: ACMG Guidelines, 2015. Collection method: clinical testing. Allele origin: germline. Affected: yes. Observed: 3 variant alleles.

Ambry Genetics
Classification: Pathogenic for Hereditary cancer-predisposing syndrome. Last evaluated: 2024-08-23. Review status: criteria provided, single submitter. Criteria: Ambry Variant Classification Scheme 2023. Collection method: clinical testing. Allele origin: germline.
Comment: The p.K95* pathogenic mutation (also known as c.283A>T), located in coding exon 4 of the PALB2 gene, results from an A to T substitution at nucleotide position 283. This changes the amino acid from a lysine to a stop codon within coding exon 4. This variant is considered to be rare based on population cohorts in the Genome Aggregation Database (gnomAD). This alteration is expected to result in loss of function by premature protein truncation or nonsense-mediated mRNA decay. As such, this alteration is interpreted as a disease-causing mutation.

Literature cited by the submitters: PubMed 17200668 (cited by Labcorp Genetics (formerly Invitae), Labcorp); PubMed 17200671 (cited by Labcorp Genetics (formerly Invitae), Labcorp); PubMed 17200672 (cited by Labcorp Genetics (formerly Invitae), Labcorp); PubMed 24136930 (cited by Labcorp Genetics (formerly Invitae), Labcorp); PubMed 25099575 (cited by Labcorp Genetics (formerly Invitae), Labcorp).